The following is an entry in ClinVar:

ClinVar aggregate classification (germline): Uncertain significance (1 of 4 stars; one submission).

Allele frequency attached by ClinVar (database versions not stated): TOPMed below 0.00001; gnomAD exomes 0.00001; ExAC 0.00002.
gnomAD v4.1: 10 of 1,614,092 alleles (0.00062%); highest among the groups gnomAD compares: Admixed American, 0.013%; no homozygotes.

Submission:

Labcorp Genetics (formerly Invitae), Labcorp
Classification: Uncertain significance. Last evaluated: 2022-08-10. Review status: criteria provided, single submitter. Criteria: Invitae Variant Classification Sherloc (09022015). Collection method: clinical testing. Allele origin: germline.
Comment: This sequence change replaces phenylalanine, which is neutral and non-polar, with leucine, which is neutral and non-polar, at codon 115 of the DGUOK protein (p.Phe115Leu). This variant is present in population databases (rs764457214, gnomAD 0.02%). This variant has not been reported in the literature in individuals affected with DGUOK-related conditions. Algorithms developed to predict the effect of missense changes on protein structure and function (SIFT, PolyPhen-2, Align-GVGD) all suggest that this variant is likely to be tolerated. In summary, the available evidence is currently insufficient to determine the role of this variant in disease. Therefore, it has been classified as a Variant of Uncertain Significance.

NM_080916.3(DGUOK):c.343T>C (p.Phe115Leu)

Gene: DGUOK (deoxyguanosine kinase; plus strand). Cytogenetic location: 2p13.1.
Variant type: single nucleotide variant.
Coding change: c.343T>C on transcript NM_080916.3 (MANE Select); coding-DNA position 343, T replaced by C.
Protein change: p.Phe115Leu; replaces phenylalanine 115 with leucine.
Molecular consequence: missense variant. On other transcripts: non-coding transcript variant (5).
Genome position (GRCh38, 1-based): chr2:73,946,806, T>C. VCF-style: chr2-73946806-T-C. GRCh37 (hg19) VCF-style: chr2-74173933-T-C.
Other names: c.343T>C, p.Phe115Leu (NM_001318859.2, NM_080918.3); c.52T>C, p.Phe18Leu (NM_001318860.2, NM_001318861.2, NM_001318862.2 and 1 more transcripts); short protein forms F115L, F18L.
Identifiers: ClinVar variation 1903553 (VCV001903553.2), dbSNP rs764457214, ClinGen allele CA1718234.